The following is an entry in ClinVar:

NM_005228.5(EGFR):c.1723-2A>G

Gene: EGFR (epidermal growth factor receptor; plus strand). Cytogenetic location: 7p11.2.
Variant type: single nucleotide variant.
Coding change: c.1723-2A>G on transcript NM_005228.5 (MANE Select); the canonical splice acceptor site of the intron before coding-DNA position 1723, A replaced by G.
Molecular consequence: splice acceptor variant.
Genome position (GRCh38, 1-based): chr7:55,165,278, A>G. VCF-style: chr7-55165278-A-G. GRCh37 (hg19) VCF-style: chr7-55232971-A-G.
Other names: c.1588-2A>G (NM_001346899.2, NM_001346897.2); c.922-2A>G (NM_001346941.2); c.1723-2A>G (NM_001346898.2, NM_201284.2, NM_201282.2); c.1564-2A>G (NM_001346900.2).
Identifiers: ClinVar variation 2002407 (VCV002002407.4), dbSNP rs2128946044, ClinGen allele CA367580605.

ClinVar aggregate classification (germline): Likely pathogenic (1 of 4 stars; one submission).

Conditions:
EGFR-related lung cancer (EGFR). Identifiers: MedGen CN130014.

Submission:

Labcorp Genetics (formerly Invitae), Labcorp
Classification: Likely pathogenic for EGFR-related lung cancer. Last evaluated: 2022-06-04. Review status: criteria provided, single submitter. Criteria: Invitae Variant Classification Sherloc (09022015). Collection method: clinical testing. Allele origin: germline.
Comment: Algorithms developed to predict the effect of sequence changes on RNA splicing suggest that this variant may disrupt the consensus splice site. In summary, the currently available evidence indicates that the variant is pathogenic, but additional data are needed to prove that conclusively. Therefore, this variant has been classified as Likely Pathogenic. This variant has not been reported in the literature in individuals affected with EGFR-related conditions. This sequence change affects an acceptor splice site in intron 14 of the EGFR gene. It is expected to disrupt RNA splicing. Variants that disrupt the donor or acceptor splice site typically lead to a loss of protein function (PMID: 16199547), and loss-of-function variants in EGFR are known to be pathogenic (PMID: 7630400, 28726809, 29899996). This variant is not present in population databases (gnomAD no frequency).

Literature cited by the submitters: PubMed 16199547; PubMed 7630400; PubMed 28726809; PubMed 29899996.